The following is an entry in ClinVar:

NM_153676.4(USH1C):c.2327T>C (p.Ile776Thr)

Gene: USH1C (USH1 protein network component harmonin; minus strand). Cytogenetic location: 11p15.1.
Variant type: single nucleotide variant.
Coding change: c.2327T>C on transcript NM_153676.4 (MANE Select); coding-DNA position 2327, T replaced by C.
Protein change: p.Ile776Thr; replaces isoleucine 776 with threonine.
Molecular consequence: missense variant. On other transcripts: non-coding transcript variant (1).
Genome position (GRCh38, 1-based): chr11:17,501,104, A>G on the plus strand (T>C on the coding strand, the complement: USH1C is on the minus strand). VCF-style: chr11-17501104-A-G. GRCh37 (hg19) VCF-style: chr11-17522651-A-G.
Other names: c.1370T>C, p.Ile457Thr (NM_001297764.2); c.1427T>C, p.Ile476Thr (NM_005709.4); short protein forms I457T, I476T, I776T.
Identifiers: ClinVar variation 3898849 (VCV003898849.1).

ClinVar aggregate classification (germline): Uncertain significance (1 of 4 stars; one submission).

Submission:

GeneDx
Classification: Uncertain significance. Last evaluated: 2024-11-07. Review status: criteria provided, single submitter. Criteria: GeneDx Variant Classification Process June 2021. Collection method: clinical testing. Allele origin: germline. Affected: yes.
Comment: Not observed at significant frequency in large population cohorts (gnomAD); In silico analysis indicates that this missense variant does not alter protein structure/function; Has not been previously published as pathogenic or benign to our knowledge